The following is an entry in ClinVar:

ClinVar aggregate classification (germline): Likely benign (1 of 4 stars; one submission).

Allele frequency attached by ClinVar (database versions not stated): TOPMed below 0.00001.
gnomAD v4.1: 5 of 1,599,206 alleles (0.00031%); highest among the groups gnomAD compares: Non-Finnish European, 0.00017%; no homozygotes.

Submission:

GeneDx
Classification: Likely benign. Last evaluated: 2017-12-19. Review status: criteria provided, single submitter. Criteria: GeneDx Variant Classification (06012015). Collection method: clinical testing. Allele origin: germline. Affected: yes.
Comment: This variant is considered likely benign or benign based on one or more of the following criteria: it is a conservative change, it occurs at a poorly conserved position in the protein, it is predicted to be benign by multiple in silico algorithms, and/or has population frequency not consistent with disease.

NM_012414.4(RAB3GAP2):c.3154+13A>T

Gene: RAB3GAP2 (RAB3 GTPase activating non-catalytic protein subunit 2; minus strand). Cytogenetic location: 1q41.
Variant type: single nucleotide variant.
Coding change: c.3154+13A>T on transcript NM_012414.4 (MANE Select); 13 bases into the intron after coding-DNA position 3154, A replaced by T.
Molecular consequence: intron variant.
Genome position (GRCh38, 1-based): chr1:220,164,720, T>A on the plus strand (A>T on the coding strand, the complement: RAB3GAP2 is on the minus strand). VCF-style: chr1-220164720-T-A. GRCh37 (hg19) VCF-style: chr1-220338062-T-A.
Identifiers: ClinVar variation 514137 (VCV000514137.1), dbSNP rs1248395562, ClinGen allele CA529065993.